The following is an entry in ClinVar:

NM_002693.3(POLG):c.3068A>G (p.Gln1023Arg)

Gene: POLG (DNA polymerase gamma, catalytic subunit; minus strand). Cytogenetic location: 15q26.1.
Variant type: single nucleotide variant.
Coding change: c.3068A>G on transcript NM_002693.3 (MANE Select); coding-DNA position 3068, A replaced by G.
Protein change: p.Gln1023Arg; replaces glutamine 1023 with arginine.
Molecular consequence: missense variant.
Genome position (GRCh38, 1-based): chr15:89,319,264, T>C on the plus strand (A>G on the coding strand, the complement: POLG is on the minus strand). VCF-style: chr15-89319264-T-C. GRCh37 (hg19) VCF-style: chr15-89862495-T-C.
Other names: c.3068A>G, p.Gln1023Arg (NM_001126131.2); short protein forms Q1023R.
Identifiers: ClinVar variation 859856 (VCV000859856.29), dbSNP rs1364906906, ClinGen allele CA393751322.

ClinVar aggregate classification (germline): Uncertain significance. Review status: criteria provided, multiple submitters, no conflicts (2 of 4 stars). 2 submissions from 2 submitters: Uncertain significance (2). Last evaluated 2024-05-12.

Conditions:
Progressive sclerosing poliodystrophy (MTDPS4A). Also called: Mitochondrial DNA depletion syndrome 4A (Alpers type); Mitochondrial DNA Depletion Syndrome 4A; ALPERS PROGRESSIVE INFANTILE POLIODYSTROPHY; ALPERS DIFFUSE DEGENERATION OF CEREBRAL GRAY MATTER WITH HEPATIC CIRRHOSIS; Alpers-Huttenlocher Syndrome; Alpers Syndrome. Identifiers: Orphanet 726, MedGen C0205710, MONDO:0008758, OMIM 203700.

Allele frequency attached by ClinVar (database versions not stated): gnomAD exomes below 0.00001 and 0.00001; TOPMed below 0.00001.
gnomAD v4.1: 11 of 1,614,216 alleles (0.00068%); highest among the groups gnomAD compares: South Asian, 0.0011%; no homozygotes.

Submissions (2):

Labcorp Genetics (formerly Invitae), Labcorp
Classification: Uncertain significance for Progressive sclerosing poliodystrophy. Last evaluated: 2024-05-12. Review status: criteria provided, single submitter. Criteria: Invitae Variant Classification Sherloc (09022015). Collection method: clinical testing. Allele origin: germline.
Comment: This sequence change replaces glutamine, which is neutral and polar, with arginine, which is basic and polar, at codon 1023 of the POLG protein (p.Gln1023Arg). This variant is present in population databases (no rsID available, gnomAD 0.003%). This variant has not been reported in the literature in individuals affected with POLG-related conditions. ClinVar contains an entry for this variant (Variation ID: 859856). Advanced modeling of protein sequence and biophysical properties (such as structural, functional, and spatial information, amino acid conservation, physicochemical variation, residue mobility, and thermodynamic stability) has been performed at Invitae for this missense variant, however the output from this modeling did not meet the statistical confidence thresholds required to predict the impact of this variant on POLG protein function. In summary, the available evidence is currently insufficient to determine the role of this variant in disease. Therefore, it has been classified as a Variant of Uncertain Significance.

CeGaT Center for Human Genetics Tuebingen
Classification: Uncertain significance. Last evaluated: 2024-04-01. Review status: criteria provided, single submitter. Criteria: CeGaT Center For Human Genetics Tuebingen Variant Classification Criteria Version 2. Collection method: clinical testing. Allele origin: germline. Affected: yes. Observed: 1 variant allele.
Comment: POLG: PM2